The following is an entry in ClinVar:

NM_000257.4(MYH7):c.702G>T (p.Lys234Asn)

Gene: MYH7 (myosin heavy chain 7; minus strand). Cytogenetic location: 14q11.2.
Variant type: single nucleotide variant.
Coding change: c.702G>T on transcript NM_000257.4 (MANE Select); coding-DNA position 702, G replaced by T.
Protein change: p.Lys234Asn; replaces lysine 234 with asparagine.
Molecular consequence: missense variant.
Genome position (GRCh38, 1-based): chr14:23,431,615, C>A on the plus strand (G>T on the coding strand, the complement: MYH7 is on the minus strand). VCF-style: chr14-23431615-C-A. GRCh37 (hg19) VCF-style: chr14-23900824-C-A.
Other names: short protein forms K234N.
Identifiers: ClinVar variation 1515132 (VCV001515132.8), dbSNP rs757766021, ClinGen allele CA389052224.
Genomic context (GRCh38, chr14:23,431,615, plus strand): 5'-GTCCCAAGGCCAAGGTCAGGGACCACTCACGAAGCGGGAGGAGTTGTCGTTCCGGACGGT[C>A]TTGGCATTGCCAAAGGCCTCCAGAGCAGGGTTGGCCTGGATGATCTGGTCCTCCAGGGTG-3'
Protein context (NP_000248.2, residues 224-244): NPALEAFGNA[Lys234Asn]TVRNDNSSRF

ClinVar aggregate classification (germline): Uncertain significance (1 of 4 stars; one submission).

Conditions:
Hypertrophic cardiomyopathy. Also called: HYPERTROPHIC MYOCARDIOPATHY. Identifiers: Orphanet 217569, MedGen C0007194, MeSH D002312, MONDO:0005045, HP:0001639.

Submission:

Labcorp Genetics (formerly Invitae), Labcorp
Classification: Uncertain significance for Hypertrophic cardiomyopathy. Last evaluated: 2021-03-08. Review status: criteria provided, single submitter. Criteria: Invitae Variant Classification Sherloc (09022015). Collection method: clinical testing. Allele origin: germline.
Comment: This variant has not been reported in the literature in individuals with MYH7-related conditions. This sequence change replaces lysine with asparagine at codon 234 of the MYH7 protein (p.Lys234Asn). The lysine residue is highly conserved and there is a moderate physicochemical difference between lysine and asparagine. This variant is not present in population databases (ExAC no frequency). Algorithms developed to predict the effect of missense changes on protein structure and function are either unavailable or do not agree on the potential impact of this missense change (SIFT: "Deleterious"; PolyPhen-2: "Probably Damaging"; Align-GVGD: "Class C0"). In summary, the available evidence is currently insufficient to determine the role of this variant in disease. Therefore, it has been classified as a Variant of Uncertain Significance.